The following is an entry in ClinVar:

NM_000038.6(APC):c.729+2218T>C

Gene: APC (APC regulator of WNT signaling pathway; plus strand). Cytogenetic location: 5q22.2.
Variant type: single nucleotide variant.
Coding change: c.729+2218T>C on transcript NM_000038.6 (MANE Select); 2218 bases into the intron after coding-DNA position 729, T replaced by C.
Molecular consequence: intron variant.
Genome position (GRCh38, 1-based): chr5:112,794,747, T>C. VCF-style: chr5-112794747-T-C. GRCh37 (hg19) VCF-style: chr5-112130444-T-C.
Other names: c.729+2218T>C (NM_001354895.2, NM_001127510.3, NM_001354896.2 and 1 more transcripts); c.759+2218T>C (NM_001354897.2, NM_001354902.2); c.676-6532T>C (NM_001127511.3); c.654+2218T>C (NM_001354898.2, NM_001354904.2); c.-307+2218T>C (NM_001354906.2); c.646-6532T>C (NM_001354899.2); c.552+2218T>C (NM_001354900.2, NM_001354901.2, NM_001354905.2).
Identifiers: ClinVar variation 82491 (VCV000082491.2), dbSNP rs74749425, ClinGen allele CA013113.
Genomic context (GRCh38, chr5:112,794,747, plus strand): 5'-AAGAGCCGACTCCTTCACAAGACTGCTCCCACCTCAGATGCCAGCCACAAATGTTGAGTA[T>C]CTCCAAGCCACTCACATTTCTGCCCAGTGTGTTACAAATTCCAGGCTTCCACATCCCCTT-3'

ClinVar aggregate classification (germline): other (0 of 4 stars; one submission).

Conditions:
Familial colorectal cancer. Identifiers: MedGen CN280943, MONDO:0023113. Disease mechanism: loss of function.

Submission:

Systems Biology Platform Zhejiang California International NanoSystems Institute
Classification: other for Familial colorectal cancer. Review status: no assertion criteria provided. Collection method: not provided. Allele origin: unknown.
ClinVar note: Converted during submission from cancer to other.